The following is an entry in ClinVar:

NM_000057.4(BLM):c.2692A>T (p.Arg898Trp)

Gene: BLM (BLM RecQ like helicase; plus strand). Cytogenetic location: 15q26.1.
Variant type: single nucleotide variant.
Coding change: c.2692A>T on transcript NM_000057.4 (MANE Select); coding-DNA position 2692, A replaced by T.
Protein change: p.Arg898Trp; replaces arginine 898 with tryptophan.
Molecular consequence: missense variant.
Genome position (GRCh38, 1-based): chr15:90,784,950, A>T. VCF-style: chr15-90784950-A-T. GRCh37 (hg19) VCF-style: chr15-91328180-A-T.
Other names: c.2692A>T, p.Arg898Trp (NM_001287246.2, NM_001287247.2); c.1567A>T, p.Arg523Trp (NM_001287248.2); short protein forms R523W, R898W.
Identifiers: ClinVar variation 1794818 (VCV001794818.2), dbSNP rs1896707033, ClinGen allele CA393845905.

ClinVar aggregate classification (germline): Uncertain significance (1 of 4 stars; one submission).

Conditions:
Hereditary cancer-predisposing syndrome. Also called: Tumor predisposition; Hereditary Cancer Syndrome; Neoplastic Syndromes, Hereditary; Hereditary neoplastic syndrome. Identifiers: Orphanet 140162, MedGen C0027672, MeSH D009386, MONDO:0015356.

Submission:

Ambry Genetics
Classification: Uncertain significance for Hereditary cancer-predisposing syndrome. Last evaluated: 2021-09-02. Review status: criteria provided, single submitter. Criteria: Ambry Variant Classification Scheme 2023. Collection method: clinical testing. Allele origin: germline.
Comment: The p.R898W variant (also known as c.2692A>T), located in coding exon 13 of the BLM gene, results from an A to T substitution at nucleotide position 2692. The arginine at codon 898 is replaced by tryptophan, an amino acid with dissimilar properties. This amino acid position is conserved. In addition, this alteration is predicted to be deleterious by in silico analysis. Since supporting evidence is limited at this time, the clinical significance of this alteration remains unclear.